The following is an entry in ClinVar:

NM_000540.3(RYR1):c.10438A>G (p.Lys3480Glu)

Gene: RYR1 (ryanodine receptor 1; plus strand). Cytogenetic location: 19q13.2.
Variant type: single nucleotide variant.
Coding change: c.10438A>G on transcript NM_000540.3 (MANE Select); coding-DNA position 10438, A replaced by G.
Protein change: p.Lys3480Glu; replaces lysine 3480 with glutamic acid.
Molecular consequence: missense variant.
Genome position (GRCh38, 1-based): chr19:38,523,307, A>G. VCF-style: chr19-38523307-A-G. GRCh37 (hg19) VCF-style: chr19-39013947-A-G.
Other names: c.10438A>G, p.Lys3480Glu (NM_001042723.2); short protein forms K3480E.
Identifiers: ClinVar variation 956236 (VCV000956236.5), dbSNP rs1971306070, ClinGen allele CA405699978.

ClinVar aggregate classification (germline): Uncertain significance. Review status: criteria provided, multiple submitters, no conflicts (2 of 4 stars). 3 submissions from 3 submitters: Uncertain significance (3). Last evaluated 2024-11-26.

Conditions:
RYR1-related disorder. Also called: RYR1-related condition; RYR1-related disorders. Identifiers: MedGen CN239331.
Malignant hyperthermia, susceptibility to, 1 (MHS1). Also called: RYR1-Related Malignant Hyperthermia Susceptibility; Malignant hyperthermia suceptibility 1; Anesthesia related hyperthermia; Malignant hyperpyrexia; Fulminating hyperpyrexia; Pharmacogenic myopathy. Identifiers: Orphanet 423, MedGen C2930980, MONDO:0007783, OMIM 145600.

Allele frequency attached by ClinVar (database versions not stated): TOPMed below 0.00001; gnomAD exomes 0.00001.
gnomAD v4.1: 8 of 1,614,164 alleles (0.0005%); highest among the groups gnomAD compares: African/African-American, 0.0013%; no homozygotes.

Submissions (3):

GeneDx
Classification: Uncertain significance. Last evaluated: 2024-11-26. Review status: criteria provided, single submitter. Criteria: GeneDx Variant Classification Process June 2021. Collection method: clinical testing. Allele origin: germline. Affected: yes.
Comment: Not observed at significant frequency in large population cohorts (gnomAD); In silico analysis supports that this missense variant has a deleterious effect on protein structure/function; Has not been previously published as pathogenic or benign to our knowledge

All of Us Research Program, National Institutes of Health
Classification: Uncertain significance for Malignant hyperthermia, susceptibility to, 1. Last evaluated: 2023-06-28. Review status: criteria provided, single submitter. Criteria: ACMG Guidelines, 2015. Collection method: clinical testing. Allele origin: germline. Inheritance: Autosomal dominant inheritance. Observed: 1 variant allele, 1 heterozygote.
Comment: This study involves interpretation of variants in research participants for the purpose of population health screening. Participant phenotype was not available at the time of variant classification. Additional details can be found in publication PMID: 35346344, PMCID: PMC8962531

Labcorp Genetics (formerly Invitae), Labcorp
Classification: Uncertain significance for RYR1-related disorder. Last evaluated: 2022-07-26. Review status: criteria provided, single submitter. Criteria: Invitae Variant Classification Sherloc (09022015). Collection method: clinical testing. Allele origin: germline.
Comment: This sequence change replaces lysine, which is basic and polar, with glutamic acid, which is acidic and polar, at codon 3480 of the RYR1 protein (p.Lys3480Glu). This variant is not present in population databases (gnomAD no frequency). This variant has not been reported in the literature in individuals affected with RYR1-related conditions. ClinVar contains an entry for this variant (Variation ID: 956236). Algorithms developed to predict the effect of missense changes on protein structure and function (SIFT, PolyPhen-2, Align-GVGD) all suggest that this variant is likely to be tolerated. In summary, the available evidence is currently insufficient to determine the role of this variant in disease. Therefore, it has been classified as a Variant of Uncertain Significance.